The following is an entry in ClinVar:

NM_000233.4(LHCGR):c.1713G>T (p.Met571Ile)

Genes: LHCGR (luteinizing hormone/choriogonadotropin receptor; minus strand), STON1-GTF2A1L (STON1-GTF2A1L readthrough; plus strand). Cytogenetic location: 2p16.3.
Variant type: single nucleotide variant.
Coding change: c.1713G>T on transcript NM_000233.4 (MANE Select); coding-DNA position 1713, G replaced by T.
Protein change: p.Met571Ile; replaces methionine 571 with isoleucine.
Molecular consequence: missense variant. On other transcripts: intron variant (1).
Genome position (GRCh38, 1-based): chr2:48,688,084, C>A on the plus strand (G>T on the coding strand, the complement: LHCGR is on the minus strand). VCF-style: chr2-48688084-C-A. GRCh37 (hg19) VCF-style: chr2-48915223-C-A.
Other names: c.3441+16404C>A (NM_001198593.2); short protein forms M571I.
Identifiers: ClinVar variation 1389006 (VCV001389006.8), dbSNP rs121912519, ClinGen allele CA346745029.
Genomic context (GRCh38, chr2:48,688,084, plus strand): 5'-TGAGATGGCAAAAAAAGAGATAGGTGCCATGCAGGTGAAATCGGTGAAGATGAGGATTGC[C>A]ATTTTCTTAGCAATCTTTGTATCTTTATTGGTAGCCATTAATTCTGGGTTTCGAACTGCA-3'
Protein context (NP_000224.2, residues 561-581): TNKDTKIAKK[Met571Ile]AILIFTDFTC

ClinVar aggregate classification (germline): Pathogenic (1 of 4 stars; one submission).

Submission:

Labcorp Genetics (formerly Invitae), Labcorp
Classification: Pathogenic. Last evaluated: 2020-11-26. Review status: criteria provided, single submitter. Criteria: Invitae Variant Classification Sherloc (09022015). Collection method: clinical testing. Allele origin: germline.
Comment: Experimental studies have shown that this missense change affects LHCGR protein function (PMID: 11041448, 18088394, 7757065). For these reasons, this variant has been classified as Pathogenic. Advanced modeling of protein sequence and biophysical properties (such as structural, functional, and spatial information, amino acid conservation, physicochemical variation, residue mobility, and thermodynamic stability) performed at Invitae indicates that this missense variant is expected to disrupt LHCGR protein function. This missense change has been observed in individual(s) with autosomal dominant precocious puberty (PMID: 18088394, 8281137, 7757065, Invitae). It has also been observed to segregate with disease in related individuals. This missense change is also known as Met575Ile in the literature. This variant is not present in population databases (ExAC no frequency). This sequence change replaces methionine with isoleucine at codon 571 of the LHCGR protein (p.Met571Ile). The methionine residue is highly conserved and there is a small physicochemical difference between methionine and isoleucine.

Literature cited by the submitters: PubMed 11041448; PubMed 18088394; PubMed 7757065; PubMed 8281137.